The following is an entry in ClinVar:

ClinVar aggregate classification (germline): Benign. Review status: criteria provided, multiple submitters, no conflicts (2 of 4 stars). 8 submissions from 8 submitters: Benign (6). 2 of the submissions do not count toward it. Last evaluated 2026-02-04.

Conditions:
Orthostatic hypotension 1 (ORTHYP1). Also called: Dopamine beta-hydroxylase deficiency; Orthostatic hypotension 1, due to DBH deficiency; NORADRENALINE DEFICIENCY; NOREPINEPHRINE DEFICIENCY. Identifiers: Orphanet 230, MedGen C4746777, MONDO:0009123, OMIM 223360.

Allele frequency attached by ClinVar (database versions not stated): 1000 Genomes Project 0.42991; 1000 Genomes Project 30x 0.43926; gnomAD exomes 0.44926; ExAC 0.45987; TOPMed 0.52930; gnomAD 0.53413 and 0.54709; ESP Exome Variant Server 0.57320.
gnomAD v4.1: 832,771 of 1,612,950 alleles (52%); highest among the groups gnomAD compares: African/African-American, 67%; 223,425 homozygotes.

Submissions (8):

Labcorp Genetics (formerly Invitae), Labcorp
Classification: Benign for Orthostatic hypotension 1. Last evaluated: 2026-02-04. Review status: criteria provided, single submitter. Criteria: Invitae Variant Classification Sherloc (09022015). Collection method: clinical testing. Allele origin: germline.

Blueprint Genetics
Classification: Benign. Last evaluated: 2024-11-27. Review status: criteria provided, single submitter. Criteria: ACMG Guidelines, 2015. Collection method: clinical testing. Allele origin: germline.

Genome-Nilou Lab
Classification: Benign for Orthostatic hypotension 1. Last evaluated: 2021-07-30. Review status: criteria provided, single submitter. Criteria: ACMG Guidelines, 2015. Collection method: clinical testing. Allele origin: germline. Affected: no.

GeneDx
Classification: Benign. Last evaluated: 2021-05-04. Review status: criteria provided, single submitter. Criteria: GeneDx Variant Classification Process June 2021. Collection method: clinical testing. Allele origin: germline. Affected: yes.
Comment: This variant is associated with the following publications: (PMID: 10673769, 11904130, 25326128)

Illumina Laboratory Services, Illumina
Classification: Benign for Orthostatic hypotension 1. Last evaluated: 2018-01-12. Review status: criteria provided, single submitter. Criteria: ICSL Variant Classification Criteria 13 December 2019. Collection method: clinical testing. Allele origin: germline.
Comment: This variant was observed in the ICSL laboratory as part of a predisposition screen in an ostensibly healthy population. It had not been previously curated by ICSL or reported in the Human Gene Mutation Database (HGMD: prior to June 1st, 2018), and was therefore a candidate for classification through an automated scoring system. Utilizing variant allele frequency, disease prevalence and penetrance estimates, and inheritance mode, an automated score was calculated to assess if this variant is too frequent to cause the disease. Based on the score and internal cut-off values, a variant classified as benign is not then subjected to further curation. The score for this variant resulted in a classification of benign for this disease.

Breakthrough Genomics
Classification: Benign. Review status: criteria provided, single submitter. Criteria: ACMG Guidelines, 2015. Collection method: not provided. Allele origin: germline. Inheritance: Autosomal recessive inheritance. Affected: yes.

Diagnostic Laboratory, Department of Genetics, University Medical Center Groningen
Classification: Benign. Review status: no assertion criteria provided. Collection method: clinical testing. Allele origin: germline. Affected: yes. Study: VKGL Data-share Consensus. Not counted in ClinVar's aggregate classification.

Joint Genome Diagnostic Labs from Nijmegen and Maastricht, Radboudumc and MUMC+
Classification: Benign. Review status: no assertion criteria provided. Collection method: clinical testing. Allele origin: germline. Affected: yes. Study: VKGL Data-share Consensus. Not counted in ClinVar's aggregate classification.

NM_000787.4(DBH):c.486A>G (p.Glu162=)

Gene: DBH (dopamine beta-hydroxylase; plus strand). Cytogenetic location: 9q34.2.
Variant type: single nucleotide variant.
Coding change: c.486A>G on transcript NM_000787.4 (MANE Select); coding-DNA position 486, A replaced by G.
Protein change: p.Glu162=; no amino-acid change (glutamic acid 162 retained).
Molecular consequence: synonymous variant.
Genome position (GRCh38, 1-based): chr9:133,639,992, A>G. VCF-style: chr9-133639992-A-G. GRCh37 (hg19) VCF-style: chr9-136505114-A-G.
Identifiers: ClinVar variation 217758 (VCV000217758.25), dbSNP rs1108580, ClinGen allele CA347632.
Genomic context (GRCh38, chr9:133,639,992, plus strand): 5'-CCTGACCCTGCTTTTCAAGAGGCCCTTTGGCACCTGCGACCCCAAGGATTACCTCATTGA[A>G]GTAAGGGGTGGCCGCGAGTACCCAGGAGGGCGTGGGCTGCGTGTATCATGCTGCCATCCT-3'
Protein context (NP_000778.3, residues 152-172): GTCDPKDYLI[Glu162=]DGTVHLVYGI